The following is an entry in ClinVar:

ClinVar aggregate classification (germline): Uncertain significance. Review status: criteria provided, multiple submitters, no conflicts (2 of 4 stars). 3 submissions from 3 submitters: Uncertain significance (3). Last evaluated 2025-10-22.

Conditions:
Polycystic kidney disease 4 (PKD4). Also called: POLYCYSTIC KIDNEY DISEASE 4 WITH OR WITHOUT POLYCYSTIC LIVER DISEASE; POLYCYSTIC KIDNEY AND HEPATIC DISEASE 1; POLYCYSTIC KIDNEY DISEASE, INFANTILE, TYPE I; PKD3; Autosomal Recessive Polycystic Kidney Disease – PKHD1. Identifiers: MedGen C4540575, MONDO:0033004, OMIM 263200.
Inborn genetic diseases. Identifiers: MedGen C0950123, MeSH D030342.

gnomAD v4.1: 41 of 1,612,836 alleles (0.0025%); highest among the groups gnomAD compares: Non-Finnish European, 0.0033%; no homozygotes.

Submissions (3):

Ambry Genetics
Classification: Uncertain significance for Inborn genetic diseases. Last evaluated: 2025-10-22. Review status: criteria provided, single submitter. Criteria: Ambry Variant Classification Scheme 2023. Collection method: clinical testing. Allele origin: germline.

Fulgent Genetics
Classification: Uncertain significance for Polycystic kidney disease 4. Last evaluated: 2024-02-20. Review status: criteria provided, single submitter. Criteria: ACMG Guidelines, 2015. Collection method: clinical testing. Allele origin: germline.

Greenwood Genetic Center Diagnostic Laboratories, Greenwood Genetic Center
Classification: Uncertain significance. Last evaluated: 2022-03-30. Review status: criteria provided, single submitter. Criteria: ACMG Guidelines, 2015. Collection method: clinical testing. Allele origin: germline. Affected: yes.
Comment: PM2

NM_138694.4(PKHD1):c.5941A>G (p.Ile1981Val)

Gene: PKHD1 (PKHD1 ciliary IPT domain containing fibrocystin/polyductin; minus strand). Cytogenetic location: 6p12.2.
Variant type: single nucleotide variant.
Coding change: c.5941A>G on transcript NM_138694.4 (MANE Select); coding-DNA position 5941, A replaced by G.
Protein change: p.Ile1981Val; replaces isoleucine 1981 with valine.
Molecular consequence: missense variant.
Genome position (GRCh38, 1-based): chr6:51,934,290, T>C on the plus strand (A>G on the coding strand, the complement: PKHD1 is on the minus strand). VCF-style: chr6-51934290-T-C. GRCh37 (hg19) VCF-style: chr6-51799088-T-C.
Other names: c.5941A>G (NM_138694.3); c.5941A>G, p.Ile1981Val (NM_170724.3); short protein forms I1981V.
Identifiers: ClinVar variation 1676510 (VCV001676510.5), dbSNP rs1233590429, ClinGen allele CA364417943.
Genomic context (GRCh38, chr6:51,934,290, plus strand): 5'-CGGATCCAATCCGGAGCTCTCCACCATCAGAAACAAGGATGGCGTGTGCCCTGAGCTCGA[T>C]GGGTCCTGGGGCCATGAAAATCAGCTTGCCCCCTAATGGACAAAGGGAAAATTGTCAGTC-3'
Protein context (NP_619639.3, residues 1971-1991): GKLIFMAPGP[Ile1981Val]ELRAHAILVS